The following is an entry in ClinVar:

ClinVar aggregate classification (germline): Uncertain significance. Review status: criteria provided, multiple submitters, no conflicts (2 of 4 stars). 2 submissions from 2 submitters: Uncertain significance (2). Last evaluated 2022-11-01.

Allele frequency attached by ClinVar (database versions not stated): gnomAD exomes below 0.00001.

Submissions (2):

Labcorp Genetics (formerly Invitae), Labcorp
Classification: Uncertain significance. Last evaluated: 2022-11-01. Review status: criteria provided, single submitter. Criteria: Invitae Variant Classification Sherloc (09022015). Collection method: clinical testing. Allele origin: germline.
Comment: In summary, the available evidence is currently insufficient to determine the role of this variant in disease. Therefore, it has been classified as a Variant of Uncertain Significance. Advanced modeling of protein sequence and biophysical properties (such as structural, functional, and spatial information, amino acid conservation, physicochemical variation, residue mobility, and thermodynamic stability) performed at Invitae indicates that this missense variant is expected to disrupt SNRNP200 protein function. This variant has not been reported in the literature in individuals affected with SNRNP200-related conditions. This variant is not present in population databases (gnomAD no frequency). This sequence change replaces serine, which is neutral and polar, with cysteine, which is neutral and slightly polar, at codon 253 of the SNRNP200 protein (p.Ser253Cys).

Blueprint Genetics
Classification: Uncertain significance. Last evaluated: 2021-08-26. Review status: criteria provided, single submitter. Criteria: ACMG Guidelines, 2015. Collection method: clinical testing. Allele origin: germline.

NM_014014.5(SNRNP200):c.758C>G (p.Ser253Cys)

Gene: SNRNP200 (small nuclear ribonucleoprotein U5 subunit 200; minus strand). Cytogenetic location: 2q11.2.
Variant type: single nucleotide variant.
Coding change: c.758C>G on transcript NM_014014.5 (MANE Select); coding-DNA position 758, C replaced by G.
Protein change: p.Ser253Cys; replaces serine 253 with cysteine.
Molecular consequence: missense variant.
Genome position (GRCh38, 1-based): chr2:96,298,939, G>C on the plus strand (C>G on the coding strand, the complement: SNRNP200 is on the minus strand). VCF-style: chr2-96298939-G-C. GRCh37 (hg19) VCF-style: chr2-96964677-G-C.
Other names: short protein forms S253C.
Identifiers: ClinVar variation 1962216 (VCV001962216.6), dbSNP rs2467352518, ClinGen allele CA347685454.